The following is an entry in ClinVar:

NM_001378454.1(ALMS1):c.10384+1G>A

Gene: ALMS1 (ALMS1 centrosome and basal body associated protein; plus strand). Cytogenetic location: 2p13.1.
Variant type: single nucleotide variant.
Coding change: c.10384+1G>A on transcript NM_001378454.1 (MANE Select); the canonical splice donor site of the intron after coding-DNA position 10384, G replaced by A.
Molecular consequence: splice donor variant.
Genome position (GRCh38, 1-based): chr2:73,559,143, G>A. VCF-style: chr2-73559143-G-A. GRCh37 (hg19) VCF-style: chr2-73786270-G-A.
Other names: c.10384+1G>A (NM_015120.4); c.10387+1G>A (NM_015120.4).
Identifiers: ClinVar variation 557218 (VCV000557218.11), dbSNP rs766366221, ClinGen allele CA1714976.
Genomic context (GRCh38, chr2:73,559,143, plus strand): 5'-AGACAGTTCCCGAGGAAGCCTGGCCAAACAATAAAGAATCCCTACAGATCAATATTGAAG[G>A]TAATGGGATTGGGTTGTGTATGAGTGTGTGTGTCTTTGTGTGTATGTGAGGGTCAGTGTT-3'

ClinVar aggregate classification (germline): Likely pathogenic. Review status: criteria provided, multiple submitters, no conflicts (2 of 4 stars). 3 submissions from 3 submitters: Likely pathogenic (2). 1 of the submissions does not count toward it. Last evaluated 2025-08-27.

Conditions:
Alstrom syndrome (ALMS). Identifiers: Orphanet 64, MedGen C0268425, MONDO:0008763, OMIM 203800.

Allele frequency attached by ClinVar (database versions not stated): gnomAD exomes below 0.00001; ExAC 0.00001.
gnomAD v4.1: 3 of 1,612,880 alleles (0.00019%); highest among the groups gnomAD compares: Non-Finnish European, 0.00025%; no homozygotes.

Submissions (3):

Labcorp Genetics (formerly Invitae), Labcorp
Classification: Likely pathogenic for Alstrom syndrome. Last evaluated: 2025-08-27. Review status: criteria provided, single submitter. Criteria: Invitae Variant Classification Sherloc (09022015). Collection method: clinical testing. Allele origin: germline.
Comment: This sequence change affects a donor splice site in intron 15 of the ALMS1 gene. It is expected to disrupt RNA splicing. Variants that disrupt the donor or acceptor splice site typically lead to a loss of protein function (PMID: 16199547), and loss-of-function variants in ALMS1 are known to be pathogenic (PMID: 17594715). This variant is present in population databases (rs766366221, gnomAD 0.0009%). This variant has not been reported in the literature in individuals affected with ALMS1-related conditions. ClinVar contains an entry for this variant (Variation ID: 557218). Algorithms developed to predict the effect of sequence changes on RNA splicing suggest that this variant may disrupt the consensus splice site. In summary, the currently available evidence indicates that the variant is pathogenic, but additional data are needed to prove that conclusively. Therefore, this variant has been classified as Likely Pathogenic.

Fulgent Genetics
Classification: Likely pathogenic for Alstrom syndrome. Last evaluated: 2021-07-20. Review status: criteria provided, single submitter. Criteria: ACMG Guidelines, 2015. Collection method: clinical testing. Allele origin: unknown.

Counsyl
Classification: Likely pathogenic for Alstrom syndrome. Last evaluated: 2018-03-19. Review status: no assertion criteria provided. Collection method: clinical testing. Allele origin: unknown. Not counted in ClinVar's aggregate classification.

Literature cited by the submitters: PubMed 16199547 (cited by Labcorp Genetics (formerly Invitae), Labcorp); PubMed 17594715 (cited by Labcorp Genetics (formerly Invitae), Labcorp).